The following is an entry in ClinVar:

ClinVar aggregate classification (germline): Uncertain significance. Review status: criteria provided, multiple submitters, no conflicts (2 of 4 stars). 3 submissions from 3 submitters: Uncertain significance (3). Last evaluated 2026-08-20.

Conditions:
PLOD3-related disorder. Also called: PLOD3-related condition.

Allele frequency attached by ClinVar (database versions not stated): ExAC 0.00001; gnomAD exomes 0.00001; TOPMed 0.00002; gnomAD 0.00003.
gnomAD v4.1: 25 of 1,612,964 alleles (0.0015%); highest among the groups gnomAD compares: Non-Finnish European, 0.002%; no homozygotes.

Submissions (3):

PreventionGenetics, part of Exact Sciences
Classification: Uncertain significance for PLOD3-related condition. Last evaluated: 2026-08-20. Review status: criteria provided, single submitter. Criteria: ACMG Guidelines, 2015. Collection method: clinical testing. Allele origin: germline.
Comment: The PLOD3 c.1112C>T variant is predicted to result in the amino acid substitution p.Ala371Val. To our knowledge, this variant has not been reported in the literature. This variant is reported in 0.0044% of alleles in individuals of European (Non-Finnish) descent in gnomAD. At this time, the clinical significance of this variant is uncertain due to the absence of conclusive functional and genetic evidence.

GeneDx
Classification: Uncertain significance. Last evaluated: 2025-01-14. Review status: criteria provided, single submitter. Criteria: GeneDx Variant Classification Process June 2021. Collection method: clinical testing. Allele origin: germline. Affected: yes.
Comment: Not observed at significant frequency in large population cohorts (gnomAD); In silico analysis supports that this missense variant has a deleterious effect on protein structure/function; Has not been previously published as pathogenic or benign to our knowledge

Labcorp Genetics (formerly Invitae), Labcorp
Classification: Uncertain significance. Last evaluated: 2022-10-25. Review status: criteria provided, single submitter. Criteria: Invitae Variant Classification Sherloc (09022015). Collection method: clinical testing. Allele origin: germline.
Comment: This sequence change replaces alanine, which is neutral and non-polar, with valine, which is neutral and non-polar, at codon 371 of the PLOD3 protein (p.Ala371Val). This variant is present in population databases (rs746263060, gnomAD 0.004%). This variant has not been reported in the literature in individuals affected with PLOD3-related conditions. Algorithms developed to predict the effect of missense changes on protein structure and function are either unavailable or do not agree on the potential impact of this missense change (SIFT: "Deleterious"; PolyPhen-2: "Possibly Damaging"; Align-GVGD: "Class C0"). Algorithms developed to predict the effect of sequence changes on RNA splicing suggest that this variant may disrupt the consensus splice site. In summary, the available evidence is currently insufficient to determine the role of this variant in disease. Therefore, it has been classified as a Variant of Uncertain Significance.

NM_001084.5(PLOD3):c.1112C>T (p.Ala371Val)

Gene: PLOD3 (procollagen-lysine,2-oxoglutarate 5-dioxygenase 3; minus strand). Cytogenetic location: 7q22.1.
Variant type: single nucleotide variant.
Coding change: c.1112C>T on transcript NM_001084.5 (MANE Select); coding-DNA position 1112, C replaced by T.
Protein change: p.Ala371Val; replaces alanine 371 with valine.
Molecular consequence: missense variant.
Genome position (GRCh38, 1-based): chr7:101,212,268, G>A on the plus strand (C>T on the coding strand, the complement: PLOD3 is on the minus strand). VCF-style: chr7-101212268-G-A. GRCh37 (hg19) VCF-style: chr7-100855549-G-A.
Other names: c.1112C>T (NM_001084.4); short protein forms A371V.
Identifiers: ClinVar variation 2419917 (VCV002419917.5), dbSNP rs746263060, ClinGen allele CA4407849.